The following is an entry in ClinVar:

ClinVar aggregate classification (germline): Uncertain significance. Review status: criteria provided, multiple submitters, no conflicts (2 of 4 stars). 2 submissions from 2 submitters: Uncertain significance (2). Last evaluated 2023-05-21.

Conditions:
Branchiootic syndrome 3 (BOS3). Also called: BO SYNDROME 3. Identifiers: MedGen C1842124, MONDO:0012025, OMIM 608389.
Autosomal dominant nonsyndromic hearing loss 23. Identifiers: Orphanet 90635, MedGen C1854594, MONDO:0011519, OMIM 605192.
Inborn genetic diseases. Identifiers: MedGen C0950123, MeSH D030342.

Submissions (2):

Labcorp Genetics (formerly Invitae), Labcorp
Classification: Uncertain significance for Autosomal dominant nonsyndromic hearing loss 23; Branchiootic syndrome 3. Last evaluated: 2023-05-21. Review status: criteria provided, single submitter. Criteria: Invitae Variant Classification Sherloc (09022015). Collection method: clinical testing. Allele origin: germline.
Comment: This variant is not present in population databases (gnomAD no frequency). This variant has not been reported in the literature in individuals affected with SIX1-related conditions. Advanced modeling of protein sequence and biophysical properties (such as structural, functional, and spatial information, amino acid conservation, physicochemical variation, residue mobility, and thermodynamic stability) performed at Invitae indicates that this missense variant is not expected to disrupt SIX1 protein function. In summary, the available evidence is currently insufficient to determine the role of this variant in disease. Therefore, it has been classified as a Variant of Uncertain Significance. This sequence change replaces arginine, which is basic and polar, with histidine, which is basic and polar, at codon 119 of the SIX1 protein (p.Arg119His).

Ambry Genetics
Classification: Uncertain significance for Inborn genetic diseases. Last evaluated: 2023-04-05. Review status: criteria provided, single submitter. Criteria: Ambry Variant Classification Scheme 2023. Collection method: clinical testing. Allele origin: germline.

NM_005982.4(SIX1):c.356G>A (p.Arg119His)

Gene: SIX1 (SIX homeobox 1; minus strand). Cytogenetic location: 14q23.1.
Variant type: single nucleotide variant.
Coding change: c.356G>A on transcript NM_005982.4 (MANE Select); coding-DNA position 356, G replaced by A.
Protein change: p.Arg119His; replaces arginine 119 with histidine.
Molecular consequence: missense variant.
Genome position (GRCh38, 1-based): chr14:60,648,834, C>T on the plus strand (G>A on the coding strand, the complement: SIX1 is on the minus strand). VCF-style: chr14-60648834-C-T. GRCh37 (hg19) VCF-style: chr14-61115552-C-T.
Other names: short protein forms R119H.
Identifiers: ClinVar variation 2533580 (VCV002533580.5), dbSNP rs2502644039, ClinGen allele CA389910492.